The following is an entry in ClinVar:

ClinVar aggregate classification (germline): Uncertain significance (1 of 4 stars; one submission).

Conditions:
Microcephaly-intellectual disability-sensorineural hearing loss-epilepsy-abnormal muscle tone syndrome (NEDHSB). Also called: NEURODEVELOPMENTAL DISORDER WITH HEARING LOSS, SEIZURES, AND BRAIN ABNORMALITIES. Identifiers: Orphanet 457351, MedGen C4225276, MONDO:0014698, OMIM 616577.

Allele frequency attached by ClinVar (database versions not stated): gnomAD exomes below 0.00001; TOPMed 0.00001; ESP Exome Variant Server 0.00008.
gnomAD v4.1: 4 of 1,614,184 alleles (0.00025%); highest among the groups gnomAD compares: Non-Finnish European, 0.00034%; no homozygotes.

Submission:

Labcorp Genetics (formerly Invitae), Labcorp
Classification: Uncertain significance for Microcephaly-intellectual disability-sensorineural hearing loss-epilepsy-abnormal muscle tone syndrome. Last evaluated: 2022-10-17. Review status: criteria provided, single submitter. Criteria: Invitae Variant Classification Sherloc (09022015). Collection method: clinical testing. Allele origin: germline.
Comment: This sequence change replaces methionine, which is neutral and non-polar, with valine, which is neutral and non-polar, at codon 201 of the SPATA5 protein (p.Met201Val). This variant is not present in population databases (gnomAD no frequency). This variant has not been reported in the literature in individuals affected with SPATA5-related conditions. ClinVar contains an entry for this variant (Variation ID: 581668). Advanced modeling of protein sequence and biophysical properties (such as structural, functional, and spatial information, amino acid conservation, physicochemical variation, residue mobility, and thermodynamic stability) performed at Invitae indicates that this missense variant is not expected to disrupt SPATA5 protein function. In summary, the available evidence is currently insufficient to determine the role of this variant in disease. Therefore, it has been classified as a Variant of Uncertain Significance.

NM_145207.3(AFG2A):c.601A>G (p.Met201Val)

Gene: AFG2A (AFG2 AAA ATPase homolog A; plus strand). Cytogenetic location: 4q28.1.
Variant type: single nucleotide variant.
Coding change: c.601A>G on transcript NM_145207.3 (MANE Select); coding-DNA position 601, A replaced by G.
Protein change: p.Met201Val; replaces methionine 201 with valine.
Molecular consequence: missense variant.
Genome position (GRCh38, 1-based): chr4:122,934,192, A>G. VCF-style: chr4-122934192-A-G. GRCh37 (hg19) VCF-style: chr4-123855347-A-G.
Other names: c.598A>G, p.Met200Val (NM_001317799.2, NM_001345856.2); short protein forms M201V, M200V.
Identifiers: ClinVar variation 581668 (VCV000581668.3), dbSNP rs377137936, ClinGen allele CA104812937.